The following is an entry in ClinVar:

NM_000081.4(LYST):c.4538G>A (p.Gly1513Asp)

Gene: LYST (lysosomal trafficking regulator; minus strand). Cytogenetic location: 1q42.3.
Variant type: single nucleotide variant.
Coding change: c.4538G>A on transcript NM_000081.4 (MANE Select); coding-DNA position 4538, G replaced by A.
Protein change: p.Gly1513Asp; replaces glycine 1513 with aspartic acid.
Molecular consequence: missense variant.
Genome position (GRCh38, 1-based): chr1:235,791,704, C>T on the plus strand (G>A on the coding strand, the complement: LYST is on the minus strand). VCF-style: chr1-235791704-C-T. GRCh37 (hg19) VCF-style: chr1-235955004-C-T.
Other names: c.4538G>A, p.Gly1513Asp (NM_001301365.1); short protein forms G1513D.
Identifiers: ClinVar variation 1020468 (VCV001020468.6), dbSNP rs1477920094, ClinGen allele CA344959043.

ClinVar aggregate classification (germline): Uncertain significance (1 of 4 stars; one submission).

Conditions:
Chédiak-Higashi syndrome (CHS). Also called: Chediak-Higashi Syndrome. Identifiers: Orphanet 167, MedGen C0007965, MONDO:0008963, OMIM 214500.

Allele frequency attached by ClinVar (database versions not stated): TOPMed 0.00002.

Submission:

Labcorp Genetics (formerly Invitae), Labcorp
Classification: Uncertain significance for Chédiak-Higashi syndrome. Last evaluated: 2022-03-11. Review status: criteria provided, single submitter. Criteria: Invitae Variant Classification Sherloc (09022015). Collection method: clinical testing. Allele origin: germline.
Comment: This sequence change replaces glycine, which is neutral and non-polar, with aspartic acid, which is acidic and polar, at codon 1513 of the LYST protein (p.Gly1513Asp). This variant is not present in population databases (gnomAD no frequency). This variant has not been reported in the literature in individuals affected with LYST-related conditions. ClinVar contains an entry for this variant (Variation ID: 1020468). Algorithms developed to predict the effect of missense changes on protein structure and function output the following: SIFT: "Tolerated"; PolyPhen-2: "Benign"; Align-GVGD: "Class C0". The aspartic acid amino acid residue is found in multiple mammalian species, which suggests that this missense change does not adversely affect protein function. In summary, the available evidence is currently insufficient to determine the role of this variant in disease. Therefore, it has been classified as a Variant of Uncertain Significance.